The following is an entry in ClinVar:

ClinVar aggregate classification (germline): Uncertain significance (1 of 4 stars; one submission).

Submission:

Labcorp Genetics (formerly Invitae), Labcorp
Classification: Uncertain significance. Last evaluated: 2024-02-17. Review status: criteria provided, single submitter. Criteria: Invitae Variant Classification Sherloc (09022015). Collection method: clinical testing. Allele origin: germline.
Comment: This sequence change replaces cysteine, which is neutral and slightly polar, with arginine, which is basic and polar, at codon 193 of the EDNRB protein (p.Cys193Arg). This variant is not present in population databases (gnomAD no frequency). This variant has not been reported in the literature in individuals affected with EDNRB-related conditions. Advanced modeling of protein sequence and biophysical properties (such as structural, functional, and spatial information, amino acid conservation, physicochemical variation, residue mobility, and thermodynamic stability) performed at Invitae indicates that this missense variant is expected to disrupt EDNRB protein function with a positive predictive value of 80%. In summary, the available evidence is currently insufficient to determine the role of this variant in disease. Therefore, it has been classified as a Variant of Uncertain Significance.

NM_001122659.3(EDNRB):c.577T>C (p.Cys193Arg)

Genes: EDNRB (endothelin receptor type B; minus strand), EDNRB-AS1 (EDNRB antisense RNA 1; plus strand). Cytogenetic location: 13q22.3.
Variant type: single nucleotide variant.
Coding change: c.577T>C on transcript NM_001122659.3 (MANE Select); coding-DNA position 577, T replaced by C.
Protein change: p.Cys193Arg; replaces cysteine 193 with arginine.
Molecular consequence: missense variant.
Genome position (GRCh38, 1-based): chr13:77,903,514, A>G on the plus strand (T>C on the coding strand, the complement: EDNRB is on the minus strand). VCF-style: chr13-77903514-A-G. GRCh37 (hg19) VCF-style: chr13-78477649-A-G.
Other names: c.847T>C, p.Cys283Arg (NM_001201397.2); c.577T>C, p.Cys193Arg (NM_003991.4, NM_000115.5); short protein forms C193R, C283R.
Identifiers: ClinVar variation 2746016 (VCV002746016.3), dbSNP rs2501549470, ClinGen allele CA388451349.